The following is an entry in ClinVar:

NM_005554.4(KRT6A):c.718A>G (p.Arg240Gly)

Gene: KRT6A (keratin 6A; minus strand). Cytogenetic location: 12q13.13.
Variant type: single nucleotide variant.
Coding change: c.718A>G on transcript NM_005554.4 (MANE Select); coding-DNA position 718, A replaced by G.
Protein change: p.Arg240Gly; replaces arginine 240 with glycine.
Molecular consequence: missense variant.
Genome position (GRCh38, 1-based): chr12:52,491,559, T>C on the plus strand (A>G on the coding strand, the complement: KRT6A is on the minus strand). VCF-style: chr12-52491559-T-C. GRCh37 (hg19) VCF-style: chr12-52885343-T-C.
Other names: short protein forms R240G.
Identifiers: ClinVar variation 2599773 (VCV002599773.5), dbSNP rs199528324, ClinGen allele CA6582171.

ClinVar aggregate classification (germline): Uncertain significance. Review status: criteria provided, multiple submitters, no conflicts (2 of 4 stars). 2 submissions from 2 submitters: Uncertain significance (2). Last evaluated 2023-11-24.

Conditions:
Inborn genetic diseases. Identifiers: MedGen C0950123, MeSH D030342.

Allele frequency attached by ClinVar (database versions not stated): gnomAD exomes 0.00001; ExAC 0.00002; gnomAD 0.00010; TOPMed 0.00011; ESP Exome Variant Server 0.00038.

Submissions (2):

Labcorp Genetics (formerly Invitae), Labcorp
Classification: Uncertain significance. Last evaluated: 2023-11-24. Review status: criteria provided, single submitter. Criteria: Invitae Variant Classification Sherloc (09022015). Collection method: clinical testing. Allele origin: germline.
Comment: This sequence change replaces arginine, which is basic and polar, with glycine, which is neutral and non-polar, at codon 240 of the KRT6A protein (p.Arg240Gly). This variant is present in population databases (rs199528324, gnomAD 0.02%). This variant has not been reported in the literature in individuals affected with KRT6A-related conditions. Advanced modeling of protein sequence and biophysical properties (such as structural, functional, and spatial information, amino acid conservation, physicochemical variation, residue mobility, and thermodynamic stability) performed at Invitae indicates that this missense variant is not expected to disrupt KRT6A protein function with a negative predictive value of 80%. In summary, the available evidence is currently insufficient to determine the role of this variant in disease. Therefore, it has been classified as a Variant of Uncertain Significance.

Ambry Genetics
Classification: Uncertain significance for Inborn genetic diseases. Last evaluated: 2023-08-08. Review status: criteria provided, single submitter. Criteria: Ambry Variant Classification Scheme 2023. Collection method: clinical testing. Allele origin: germline.